The following is an entry in ClinVar:

ClinVar aggregate classification (germline): Pathogenic (1 of 4 stars; one submission).

Conditions:
Alstrom syndrome (ALMS). Identifiers: Orphanet 64, MedGen C0268425, MONDO:0008763, OMIM 203800.

Submission:

Labcorp Genetics (formerly Invitae), Labcorp
Classification: Pathogenic for Alstrom syndrome. Last evaluated: 2024-10-03. Review status: criteria provided, single submitter. Criteria: Invitae Variant Classification Sherloc (09022015). Collection method: clinical testing. Allele origin: germline.
Comment: This sequence change creates a premature translational stop signal (p.Gln692*) in the ALMS1 gene. It is expected to result in an absent or disrupted protein product. Loss-of-function variants in ALMS1 are known to be pathogenic (PMID: 17594715). This variant is not present in population databases (gnomAD no frequency). This variant has not been reported in the literature in individuals affected with ALMS1-related conditions. ClinVar contains an entry for this variant (Variation ID: 1072195). For these reasons, this variant has been classified as Pathogenic.

Literature cited by the submitters: PubMed 17594715.

NM_001378454.1(ALMS1):c.2071C>T (p.Gln691Ter)

Gene: ALMS1 (ALMS1 centrosome and basal body associated protein; plus strand). Cytogenetic location: 2p13.1.
Variant type: single nucleotide variant.
Coding change: c.2071C>T on transcript NM_001378454.1 (MANE Select); coding-DNA position 2071, C replaced by T.
Protein change: p.Gln691Ter; replaces glutamine 691 with a stop codon.
Molecular consequence: nonsense.
Genome position (GRCh38, 1-based): chr2:73,448,598, C>T. VCF-style: chr2-73448598-C-T. GRCh37 (hg19) VCF-style: chr2-73675725-C-T.
Other names: c.2074C>T, p.Gln692Ter (NM_015120.4); short protein forms Q691*, Q692*.
Identifiers: ClinVar variation 1072195 (VCV001072195.7), dbSNP rs752875933, ClinGen allele CA347266557.